The following is an entry in ClinVar:

NM_004260.4(RECQL4):c.910C>T (p.Gln304Ter)

Gene: RECQL4 (RecQ like helicase 4; minus strand). Cytogenetic location: 8q24.3.
Variant type: single nucleotide variant.
Coding change: c.910C>T on transcript NM_004260.4 (MANE Select); coding-DNA position 910, C replaced by T.
Protein change: p.Gln304Ter; replaces glutamine 304 with a stop codon.
Molecular consequence: nonsense.
Genome position (GRCh38, 1-based): chr8:144,516,209, G>A on the plus strand (C>T on the coding strand, the complement: RECQL4 is on the minus strand). VCF-style: chr8-144516209-G-A. GRCh37 (hg19) VCF-style: chr8-145741593-G-A.
Other names: short protein forms Q304*.
Identifiers: ClinVar variation 641783 (VCV000641783.5), dbSNP rs934534826, ClinGen allele CA187688641.
Genomic context (GRCh38, chr8:144,516,209, plus strand): 5'-GGCTGAGTCCGTGGTACCTGGGGTTCGATGGGCTGCTGCAGGGCTGAGGTGGCTGTGCCT[G>A]TACAGGTTCCCCTGGAGGGTCTTCCTCAACTGCTACAGCCCCAGCCCCCTCCGATGGGGG-3'

ClinVar aggregate classification (germline): Pathogenic (1 of 4 stars; one submission).

Conditions:
Baller-Gerold syndrome (BGS). Also called: CRANIOSYNOSTOSIS WITH RADIAL DEFECTS. Identifiers: Orphanet 1225, MedGen C0265308, MONDO:0009039, OMIM 218600.

Allele frequency attached by ClinVar (database versions not stated): gnomAD exomes below 0.00001; gnomAD 0.00001.

Submission:

Labcorp Genetics (formerly Invitae), Labcorp
Classification: Pathogenic for Baller-Gerold syndrome. Last evaluated: 2022-03-01. Review status: criteria provided, single submitter. Criteria: Invitae Variant Classification Sherloc (09022015). Collection method: clinical testing. Allele origin: germline.
Comment: ClinVar contains an entry for this variant (Variation ID: 641783). For these reasons, this variant has been classified as Pathogenic. This premature translational stop signal has been observed in individual(s) with Rothmund-Thomson syndrome (PMID: 30007837). The frequency data for this variant in the population databases is considered unreliable, as metrics indicate poor data quality at this position in the gnomAD database. This sequence change creates a premature translational stop signal (p.Gln304*) in the RECQL4 gene. It is expected to result in an absent or disrupted protein product. Loss-of-function variants in RECQL4 are known to be pathogenic (PMID: 12734318, 12952869).

Literature cited by the submitters: PubMed 30007837; PubMed 12734318; PubMed 12952869.